The following is an entry in ClinVar:

ClinVar aggregate classification (germline): Uncertain significance (1 of 4 stars; one submission).

Submission:

Labcorp Genetics (formerly Invitae), Labcorp
Classification: Uncertain significance. Last evaluated: 2025-01-13. Review status: criteria provided, single submitter. Criteria: Invitae Variant Classification Sherloc (09022015). Collection method: clinical testing. Allele origin: germline.
Comment: This sequence change replaces asparagine, which is neutral and polar, with threonine, which is neutral and polar, at codon 2189 of the POLE protein (p.Asn2189Thr). This variant is not present in population databases (gnomAD no frequency). This variant has not been reported in the literature in individuals affected with POLE-related conditions. Invitae Evidence Modeling of protein sequence and biophysical properties (such as structural, functional, and spatial information, amino acid conservation, physicochemical variation, residue mobility, and thermodynamic stability) indicates that this missense variant is not expected to disrupt POLE protein function with a negative predictive value of 80%. In summary, the available evidence is currently insufficient to determine the role of this variant in disease. Therefore, it has been classified as a Variant of Uncertain Significance.

NM_006231.4(POLE):c.6566A>C (p.Asn2189Thr)

Gene: POLE (DNA polymerase epsilon, catalytic subunit; minus strand). Cytogenetic location: 12q24.33.
Variant type: single nucleotide variant.
Coding change: c.6566A>C on transcript NM_006231.4 (MANE Select); coding-DNA position 6566, A replaced by C.
Protein change: p.Asn2189Thr; replaces asparagine 2189 with threonine.
Molecular consequence: missense variant.
Genome position (GRCh38, 1-based): chr12:132,625,736, T>G on the plus strand (A>C on the coding strand, the complement: POLE is on the minus strand). VCF-style: chr12-132625736-T-G. GRCh37 (hg19) VCF-style: chr12-133202322-T-G.
Other names: short protein forms N2189T.
Identifiers: ClinVar variation 3667118 (VCV003667118.2).
Genomic context (GRCh38, chr12:132,625,736, plus strand): 5'-TTCTGTAGAACTTCCACCAGCGTCATCTCGATGGCAGAGGAGTCGTAGGGCGCCTGACAG[T>G]TGGAGCAGAGCCACTGAGGCAGGACCGCCCCATCCTAGGCAGAGCAAGAGTGCGAGAGGT-3'
Protein context (NP_006222.2, residues 2179-2199): GAVLPQWLCS[Asn2189Thr]CQAPYDSSAI